The following is an entry in ClinVar:

ClinVar aggregate classification (germline): Uncertain significance (1 of 4 stars; one submission).

Allele frequency attached by ClinVar (database versions not stated): gnomAD exomes 0.00001; ExAC 0.00002; gnomAD 0.00003; TOPMed 0.00003.
gnomAD v4.1: 24 of 1,614,044 alleles (0.0015%); highest among the groups gnomAD compares: African/African-American, 0.008%; no homozygotes.

Submission:

Labcorp Genetics (formerly Invitae), Labcorp
Classification: Uncertain significance. Last evaluated: 2024-04-03. Review status: criteria provided, single submitter. Criteria: Invitae Variant Classification Sherloc (09022015). Collection method: clinical testing. Allele origin: germline.
Comment: This sequence change replaces serine, which is neutral and polar, with isoleucine, which is neutral and non-polar, at codon 1431 of the NLRP1 protein (p.Ser1431Ile). This variant is present in population databases (rs752934168, gnomAD 0.01%). This variant has not been reported in the literature in individuals affected with NLRP1-related conditions. ClinVar contains an entry for this variant (Variation ID: 1934911). An algorithm developed to predict the effect of missense changes on protein structure and function (PolyPhen-2) suggests that this variant is likely to be disruptive. In summary, the available evidence is currently insufficient to determine the role of this variant in disease. Therefore, it has been classified as a Variant of Uncertain Significance.

NM_033004.4(NLRP1):c.4292G>T (p.Ser1431Ile)

Gene: NLRP1 (NLR family pyrin domain containing 1; minus strand). Cytogenetic location: 17p13.2.
Variant type: single nucleotide variant.
Coding change: c.4292G>T on transcript NM_033004.4 (MANE Select); coding-DNA position 4292, G replaced by T.
Protein change: p.Ser1431Ile; replaces serine 1431 with isoleucine.
Molecular consequence: missense variant. On other transcripts: intron variant (1).
Genome position (GRCh38, 1-based): chr17:5,514,884, C>A on the plus strand (G>T on the coding strand, the complement: NLRP1 is on the minus strand). VCF-style: chr17-5514884-C-A. GRCh37 (hg19) VCF-style: chr17-5418204-C-A.
Other names: c.4160G>T, p.Ser1387Ile (NM_014922.5); c.4202G>T, p.Ser1401Ile (NM_033006.4); c.4070G>T, p.Ser1357Ile (NM_033007.4); c.4069+2862G>T (NM_001033053.3); short protein forms S1431I, S1357I, S1387I, S1401I.
Identifiers: ClinVar variation 1934911 (VCV001934911.5), dbSNP rs752934168, ClinGen allele CA8326589.